The following is an entry in ClinVar:

NM_000135.4(FANCA):c.971T>C (p.Leu324Pro)

Gene: FANCA (FA complementation group A; minus strand). Cytogenetic location: 16q24.3.
Variant type: single nucleotide variant.
Coding change: c.971T>C on transcript NM_000135.4 (MANE Select); coding-DNA position 971, T replaced by C.
Protein change: p.Leu324Pro; replaces leucine 324 with proline.
Molecular consequence: missense variant.
Genome position (GRCh38, 1-based): chr16:89,795,941, A>G on the plus strand (T>C on the coding strand, the complement: FANCA is on the minus strand). VCF-style: chr16-89795941-A-G. GRCh37 (hg19) VCF-style: chr16-89862349-A-G.
Other names: c.971T>C, p.Leu324Pro (NM_001286167.3); short protein forms L324P.
Identifiers: ClinVar variation 1707718 (VCV001707718.2), dbSNP rs1447363475, ClinGen allele CA397469938.

ClinVar aggregate classification (germline): Likely pathogenic (1 of 4 stars; one submission).

Conditions:
Fanconi anemia complementation group A (FANCA). Also called: Fanconi anemia, group A; FANCA-Related Fanconi Anemia. Identifiers: Orphanet 84, MedGen C3469521, MONDO:0009215, OMIM 227650.

Submission:

Cytogenetique et Genetique Moleculaire, CHU Besancon
Classification: Likely pathogenic for Fanconi anemia complementation group A. Review status: criteria provided, single submitter. Criteria: ACMG Guidelines 2015. Collection method: clinical testing. Allele origin: inherited. Inheritance: Autosomal recessive inheritance. Affected: yes. Observed: 1 variant allele.
Comment: Compound heterozygous variant of FANCA with a well known pathogenic variant in trans (NM_000135.4:c.3391A&gt;G) suggested by parental segregation (SANGER sequencing). FANCA.